The following is an entry in ClinVar:

NM_133259.4(LRPPRC):c.311T>G (p.Leu104Arg)

Gene: LRPPRC (leucine rich pentatricopeptide repeat containing; minus strand). Cytogenetic location: 2p21.
Variant type: single nucleotide variant.
Coding change: c.311T>G on transcript NM_133259.4 (MANE Select); coding-DNA position 311, T replaced by G.
Protein change: p.Leu104Arg; replaces leucine 104 with arginine.
Molecular consequence: missense variant.
Genome position (GRCh38, 1-based): chr2:43,982,273, A>C on the plus strand (T>G on the coding strand, the complement: LRPPRC is on the minus strand). VCF-style: chr2-43982273-A-C. GRCh37 (hg19) VCF-style: chr2-44209412-A-C.
Other names: short protein forms L104R.
Identifiers: ClinVar variation 3373485 (VCV003373485.1).

ClinVar aggregate classification (germline): Uncertain significance (1 of 4 stars; one submission).

Submission:

GeneDx
Classification: Uncertain significance. Last evaluated: 2024-02-28. Review status: criteria provided, single submitter. Criteria: GeneDx Variant Classification Process June 2021. Collection method: clinical testing. Allele origin: germline. Affected: yes.
Comment: Not observed at significant frequency in large population cohorts (gnomAD); In silico analysis supports that this missense variant has a deleterious effect on protein structure/function; Has not been previously published as pathogenic or benign to our knowledge